The following is an entry in ClinVar:

ClinVar aggregate classification (germline): Uncertain significance. Review status: criteria provided, multiple submitters, no conflicts (2 of 4 stars). 2 submissions from 2 submitters: Uncertain significance (2). Last evaluated 2025-07-18.

Conditions:
Long QT syndrome (LQTS). Identifiers: MedGen C0023976, MeSH D008133, MONDO:0002442. Disease mechanism: loss of function. Inheritance: Various modes of inheritance.

gnomAD v4.1: 13 of 1,613,764 alleles (0.00081%); highest among the groups gnomAD compares: African/African-American, 0.0027%; no homozygotes.

Submissions (2):

Labcorp Genetics (formerly Invitae), Labcorp
Classification: Uncertain significance for Long QT syndrome. Last evaluated: 2025-07-18. Review status: criteria provided, single submitter. Criteria: Invitae Variant Classification Sherloc (09022015). Collection method: clinical testing. Allele origin: germline.
Comment: This sequence change replaces phenylalanine, which is neutral and non-polar, with leucine, which is neutral and non-polar, at codon 133 of the CAV3 protein (p.Phe133Leu). This variant is present in population databases (no rsID available, gnomAD 0.004%). This variant has not been reported in the literature in individuals affected with CAV3-related conditions. ClinVar contains an entry for this variant (Variation ID: 3003036). An algorithm developed to predict the effect of missense changes on protein structure and function (PolyPhen-2) suggests that this variant is likely to be tolerated. In summary, the available evidence is currently insufficient to determine the role of this variant in disease. Therefore, it has been classified as a Variant of Uncertain Significance.

GeneDx
Classification: Uncertain significance. Last evaluated: 2024-09-16. Review status: criteria provided, single submitter. Criteria: GeneDx Variant Classification Process June 2021. Collection method: clinical testing. Allele origin: germline. Affected: yes.
Comment: Not observed at significant frequency in large population cohorts (gnomAD); In silico analysis supports that this missense variant has a deleterious effect on protein structure/function; Has not been previously published as pathogenic or benign to our knowledge; This variant is associated with the following publications: (PMID: 25630502)

NM_033337.3(CAV3):c.399C>G (p.Phe133Leu)

Genes: OXTR (oxytocin receptor; minus strand), CAV3 (caveolin 3; plus strand). Cytogenetic location: 3p25.3.
Variant type: single nucleotide variant.
Coding change: c.399C>G on transcript NM_033337.3 (MANE Select); coding-DNA position 399, C replaced by G.
Protein change: p.Phe133Leu; replaces phenylalanine 133 with leucine.
Molecular consequence: missense variant.
Genome position (GRCh38, 1-based): chr3:8,745,810, C>G. VCF-style: chr3-8745810-C-G. GRCh37 (hg19) VCF-style: chr3-8787496-C-G.
Other names: c.399C>G, p.Phe133Leu (NM_001234.5); short protein forms F133L.
Identifiers: ClinVar variation 3003036 (VCV003003036.4), dbSNP rs769859957, ClinGen allele CA351663691.